The following is an entry in ClinVar:

ClinVar aggregate classification (germline): Uncertain significance (1 of 4 stars; one submission).

Allele frequency attached by ClinVar (database versions not stated): gnomAD exomes below 0.00001.
gnomAD v4.1: 1 of 1,614,110 alleles (0.000062%); highest among the groups gnomAD compares: African/African-American, 0.0013%; no homozygotes.

Submission:

Greenwood Genetic Center Diagnostic Laboratories, Greenwood Genetic Center
Classification: Uncertain significance. Last evaluated: 2022-09-28. Review status: criteria provided, single submitter. Criteria: ACMG Guidelines, 2015. Collection method: clinical testing. Allele origin: germline. Affected: yes.
Comment: PM2, PP3

NM_005982.4(SIX1):c.527G>A (p.Arg176Lys)

Genes: MIR9718 (microRNA 9718; plus strand), SIX1 (SIX homeobox 1; minus strand). Cytogenetic location: 14q23.1.
Variant type: single nucleotide variant.
Coding change: c.527G>A on transcript NM_005982.4 (MANE Select); coding-DNA position 527, G replaced by A.
Protein change: p.Arg176Lys; replaces arginine 176 with lysine.
Molecular consequence: missense variant. On other transcripts: non-coding transcript variant (1).
Genome position (GRCh38, 1-based): chr14:60,648,663, C>T on the plus strand (G>A on the coding strand, the complement: SIX1 is on the minus strand). VCF-style: chr14-60648663-C-T. GRCh37 (hg19) VCF-style: chr14-61115381-C-T.
Other names: short protein forms R176K.
Identifiers: ClinVar variation 1710420 (VCV001710420.3), dbSNP rs2502643522, ClinGen allele CA389910121.